The following is an entry in ClinVar:

ClinVar aggregate classification (germline): Benign/Likely benign. Review status: criteria provided, multiple submitters, no conflicts (2 of 4 stars). 4 submissions from 4 submitters: Benign (1); Likely benign (2). 1 of the submissions does not count toward it. Last evaluated 2026-01-17.

Conditions:
IFNGR1-related disorder. Also called: IFNGR1-related condition.
Disseminated atypical mycobacterial infection. Identifiers: MedGen C0694566.

Allele frequency attached by ClinVar (database versions not stated): gnomAD exomes 0.00017 and 0.00047; ExAC 0.00063; 1000 Genomes Project 30x 0.00078; 1000 Genomes Project 0.00080; gnomAD 0.00198 and 0.00216; TOPMed 0.00224; ESP Exome Variant Server 0.00231.
gnomAD v4.1: 560 of 1,604,116 alleles (0.035%); highest among the groups gnomAD compares: African/African-American, 0.69%; 1 homozygote.

Submissions (4):

Labcorp Genetics (formerly Invitae), Labcorp
Classification: Benign for Disseminated atypical mycobacterial infection. Last evaluated: 2026-01-17. Review status: criteria provided, single submitter. Criteria: Invitae Variant Classification Sherloc (09022015). Collection method: clinical testing. Allele origin: germline.

Blueprint Genetics
Classification: Likely benign. Last evaluated: 2024-08-06. Review status: criteria provided, single submitter. Criteria: ACMG Guidelines, 2015. Collection method: clinical testing. Allele origin: germline.

Women's Health and Genetics/Laboratory Corporation of America, LabCorp
Classification: Likely benign. Last evaluated: 2023-09-27. Review status: criteria provided, single submitter. Criteria: LabCorp Variant Classification Summary - May 2015. Collection method: clinical testing. Allele origin: germline.

PreventionGenetics, part of Exact Sciences
Classification: Likely benign for IFNGR1-related condition. Last evaluated: 2024-02-26. Review status: no assertion criteria provided. Collection method: clinical testing. Allele origin: germline. Not counted in ClinVar's aggregate classification.
Comment: This variant is classified as likely benign based on ACMG/AMP sequence variant interpretation guidelines (Richards et al. 2015 PMID: 25741868, with internal and published modifications).

NM_000416.3(IFNGR1):c.216A>G (p.Glu72=)

Gene: IFNGR1 (interferon gamma receptor 1; minus strand). Cytogenetic location: 6q23.3.
Variant type: single nucleotide variant.
Coding change: c.216A>G on transcript NM_000416.3 (MANE Select); coding-DNA position 216, A replaced by G.
Protein change: p.Glu72=; no amino-acid change (glutamic acid 72 retained).
Molecular consequence: synonymous variant.
Genome position (GRCh38, 1-based): chr6:137,206,293, T>C on the plus strand (A>G on the coding strand, the complement: IFNGR1 is on the minus strand). VCF-style: chr6-137206293-T-C. GRCh37 (hg19) VCF-style: chr6-137527430-T-C.
Other names: c.186A>G, p.Glu62= (NM_001363526.1); c.93A>G, p.Glu31= (NM_001363527.1).
Identifiers: ClinVar variation 714320 (VCV000714320.15), dbSNP rs141574133, ClinGen allele CA4019009.